The following is an entry in ClinVar:

ClinVar aggregate classification (germline): Uncertain significance (1 of 4 stars; one submission).

Conditions:
Hereditary cancer-predisposing syndrome. Also called: Neoplastic Syndromes, Hereditary; Tumor predisposition; Hereditary neoplastic syndrome; Hereditary Cancer Syndrome. Identifiers: Orphanet 140162, MedGen C0027672, MeSH D009386, MONDO:0015356.

Submission:

Ambry Genetics
Classification: Uncertain significance for Hereditary cancer-predisposing syndrome. Last evaluated: 2026-07-07. Review status: criteria provided, single submitter. Criteria: Ambry Variant Classification Scheme 2023. Collection method: clinical testing. Allele origin: germline.
Comment: The p.E1435V variant (also known as c.4304A>T), located in coding exon 30 of the SMARCA4 gene, results from an A to T substitution at nucleotide position 4304. The glutamic acid at codon 1435 is replaced by valine, an amino acid with dissimilar properties. This amino acid position is conserved. In addition, the in silico prediction for this alteration is inconclusive. Based on the available evidence, the clinical significance of this variant remains unclear.

NM_003072.5(SMARCA4):c.4208A>T (p.Glu1403Val)

Gene: SMARCA4 (SWI/SNF related BAF chromatin remodeling complex subunit ATPase 4; plus strand). Cytogenetic location: 19p13.2.
Variant type: single nucleotide variant.
Coding change: c.4208A>T on transcript NM_003072.5 (MANE Select); coding-DNA position 4208, A replaced by T.
Protein change: p.Glu1403Val; replaces glutamic acid 1403 with valine.
Molecular consequence: missense variant. On other transcripts: non-coding transcript variant (1).
Genome position (GRCh38, 1-based): chr19:11,041,344, A>T. VCF-style: chr19-11041344-A-T. GRCh37 (hg19) VCF-style: chr19-11152020-A-T.
Other names: c.4208A>T, p.Glu1403Val (NM_001128844.3); c.4118A>T, p.Glu1373Val (NM_001128845.2, NM_001128846.2); c.4109A>T, p.Glu1370Val (NM_001128847.4, NM_001128848.2, NM_001374457.1); c.4304A>T, p.Glu1435Val (NM_001128849.3, NM_001387283.1); c.4205A>T, p.Glu1402Val (NM_001411150.1); short protein forms E1402V, E1370V, E1373V, E1403V, E1435V.
Identifiers: ClinVar variation 5029850 (VCV005029850.1).